The following is an entry in ClinVar:

ClinVar aggregate classification (germline): Uncertain significance. Review status: criteria provided, multiple submitters, no conflicts (2 of 4 stars). 2 submissions from 2 submitters: Uncertain significance (2). Last evaluated 2025-12-02.

Allele frequency attached by ClinVar (database versions not stated): ExAC 0.00002; gnomAD 0.00002; gnomAD exomes 0.00002; TOPMed 0.00003.
gnomAD v4.1: 24 of 1,609,294 alleles (0.0015%); highest among the groups gnomAD compares: African/African-American, 0.0027%; no homozygotes.

Submissions (2):

Ambry Genetics
Classification: Uncertain significance. Last evaluated: 2025-12-02. Review status: criteria provided, single submitter. Criteria: Ambry Variant Classification Scheme 2023. Collection method: clinical testing. Allele origin: germline.

Labcorp Genetics (formerly Invitae), Labcorp
Classification: Uncertain significance. Last evaluated: 2023-02-14. Review status: criteria provided, single submitter. Criteria: Invitae Variant Classification Sherloc (09022015). Collection method: clinical testing. Allele origin: germline.
Comment: This sequence change replaces lysine, which is basic and polar, with glutamic acid, which is acidic and polar, at codon 496 of the EXOC6B protein (p.Lys496Glu). This variant is present in population databases (rs773048433, gnomAD 0.004%). This variant has not been reported in the literature in individuals affected with EXOC6B-related conditions. Experimental studies and prediction algorithms are not available or were not evaluated, and the functional significance of this variant is currently unknown. In summary, the available evidence is currently insufficient to determine the role of this variant in disease. Therefore, it has been classified as a Variant of Uncertain Significance.

NM_015189.3(EXOC6B):c.1486A>G (p.Lys496Glu)

Gene: EXOC6B (exocyst complex component 6B; minus strand). Cytogenetic location: 2p13.2.
Variant type: single nucleotide variant.
Coding change: c.1486A>G on transcript NM_015189.3 (MANE Select); coding-DNA position 1486, A replaced by G.
Protein change: p.Lys496Glu; replaces lysine 496 with glutamic acid.
Molecular consequence: missense variant. On other transcripts: non-coding transcript variant (2).
Genome position (GRCh38, 1-based): chr2:72,495,497, T>C on the plus strand (A>G on the coding strand, the complement: EXOC6B is on the minus strand). VCF-style: chr2-72495497-T-C. GRCh37 (hg19) VCF-style: chr2-72722626-T-C.
Other names: c.1486A>G, p.Lys496Glu (NM_001321729.2, NM_001321730.2, NM_001321731.2 and 1 more transcripts); c.1147A>G, p.Lys383Glu (NM_001321734.2); short protein forms K383E, K496E.
Identifiers: ClinVar variation 2465958 (VCV002465958.6), dbSNP rs773048433, ClinGen allele CA1708439.